The following is an entry in ClinVar:

NM_024809.5(TCTN2):c.720C>G (p.Pro240=)

Gene: TCTN2 (tectonic family member 2; plus strand). Cytogenetic location: 12q24.31.
Variant type: single nucleotide variant.
Coding change: c.720C>G on transcript NM_024809.5 (MANE Select); coding-DNA position 720, C replaced by G.
Protein change: p.Pro240=; no amino-acid change (proline 240 retained).
Molecular consequence: synonymous variant.
Genome position (GRCh38, 1-based): chr12:123,686,991, C>G. VCF-style: chr12-123686991-C-G. GRCh37 (hg19) VCF-style: chr12-124171538-C-G.
Other names: p.Pro240=; c.717C>G, p.Pro239= (NM_001143850.3).
Identifiers: ClinVar variation 198261 (VCV000198261.53), dbSNP rs149430216, ClinGen allele CA246813.
Genomic context (GRCh38, chr12:123,686,991, plus strand): 5'-TGCTGGGACGACGACACGTGGTGTCCCCGATTGGTTTCCCTTTCTGTGTGTGCAGTCCCC[C>G]CTTGCCAACACACCCTTCCTTGGTTACTTCTATCATGGTGCTGTGTAAGTGTCTGAGCAG-3'
Protein context (NP_079085.2, residues 230-250): DWFPFLCVQS[Pro240=]LANTPFLGYF

ClinVar aggregate classification (germline): Conflicting classifications of pathogenicity. Review status: criteria provided, conflicting classifications (1 of 4 stars). 10 submissions from 9 submitters: Uncertain significance (3); Benign (1); Likely benign (6). Last evaluated 2026-09-01.

Conditions:
Joubert syndrome 24 (JBTS24). Identifiers: Orphanet 475, MedGen C4084841, MONDO:0014724, OMIM 616654.
Joubert syndrome. Also called: JOUBERT-BOLTSHAUSER SYNDROME; Familial aplasia of the vermis. Identifiers: Orphanet 475, MedGen C5979921, MONDO:0018772.
Meckel-Gruber syndrome. Also called: DYSENCEPHALIA SPLANCHNOCYSTICA; GRUBER SYNDROME; Dysencephalia splachnocystica. Identifiers: Orphanet 564, MedGen C0265215, MONDO:0018921.
Meckel syndrome, type 8. Identifiers: Orphanet 564, MedGen C3836857, MONDO:0013482, OMIM 613885.

Allele frequency attached by ClinVar (database versions not stated): 1000 Genomes Project 0.00060; 1000 Genomes Project 30x 0.00062; gnomAD 0.00236; ExAC 0.00238; TOPMed 0.00317; ESP Exome Variant Server 0.00461.
gnomAD v4.1: 7,900 of 1,614,160 alleles (0.49%); highest among the groups gnomAD compares: Non-Finnish European, 0.62%; 31 homozygotes.

Submissions (10):

CeGaT Center for Human Genetics Tuebingen
Classification: Likely benign. Last evaluated: 2026-09-01. Review status: criteria provided, single submitter. Criteria: CeGaT Center For Human Genetics Tuebingen Variant Classification Criteria Version 2. Collection method: clinical testing. Allele origin: germline. Affected: yes. Observed: 10 variant alleles.
Comment: TCTN2: BP4, BP7, BS2

Labcorp Genetics (formerly Invitae), Labcorp
Classification: Benign for Joubert syndrome; Meckel-Gruber syndrome. Last evaluated: 2026-02-02. Review status: criteria provided, single submitter. Criteria: Invitae Variant Classification Sherloc (09022015). Collection method: clinical testing. Allele origin: germline.

Mayo Clinic Laboratories, Mayo Clinic
Classification: Likely benign. Last evaluated: 2025-02-03. Review status: criteria provided, single submitter. Criteria: ACMG Guidelines, 2015. Collection method: clinical testing. Allele origin: germline. Observed: 1 variant allele.
Comment: BS1, BP4, BP7

Blueprint Genetics
Classification: Likely benign. Last evaluated: 2024-11-07. Review status: criteria provided, single submitter. Criteria: ACMG Guidelines, 2015. Collection method: clinical testing. Allele origin: germline.

GeneDx
Classification: Likely benign. Last evaluated: 2020-11-08. Review status: criteria provided, single submitter. Criteria: GeneDx Variant Classification Process June 2021. Collection method: clinical testing. Allele origin: germline. Affected: yes.

Illumina Laboratory Services, Illumina
Classification: Uncertain significance for Joubert syndrome 24. Last evaluated: 2018-01-13. Review status: criteria provided, single submitter. Criteria: ICSL Variant Classification Criteria 13 December 2019. Collection method: clinical testing. Allele origin: germline.

Illumina Laboratory Services, Illumina
Classification: Uncertain significance for Meckel syndrome, type 8. Last evaluated: 2018-01-13. Review status: criteria provided, single submitter. Criteria: ICSL Variant Classification Criteria 13 December 2019. Collection method: clinical testing. Allele origin: germline.

Genetic Services Laboratory, University of Chicago
Classification: Likely benign. Last evaluated: 2015-09-22. Review status: criteria provided, single submitter. Criteria: ACMG Guidelines, 2015. Collection method: clinical testing. Allele origin: germline. Affected: no.

Eurofins Ntd Llc (ga)
Classification: Uncertain significance. Last evaluated: 2015-01-30. Review status: criteria provided, single submitter. Criteria: EGL Classification Definitions 2015. Collection method: clinical testing. Allele origin: germline. Observed: 1 variant allele, 1 heterozygote.

PreventionGenetics, part of Exact Sciences
Classification: Likely benign. Review status: criteria provided, single submitter. Criteria: ACMG Guidelines, 2015. Collection method: clinical testing. Allele origin: germline.